The following is an entry in ClinVar:

NM_170606.3(KMT2C):c.7189C>G (p.Gln2397Glu)

Gene: KMT2C (lysine methyltransferase 2C; minus strand). Cytogenetic location: 7q36.1.
Variant type: single nucleotide variant.
Coding change: c.7189C>G on transcript NM_170606.3 (MANE Select); coding-DNA position 7189, C replaced by G.
Protein change: p.Gln2397Glu; replaces glutamine 2397 with glutamic acid.
Molecular consequence: missense variant.
Genome position (GRCh38, 1-based): chr7:152,180,087, G>C on the plus strand (C>G on the coding strand, the complement: KMT2C is on the minus strand). VCF-style: chr7-152180087-G-C. GRCh37 (hg19) VCF-style: chr7-151877172-G-C.
Other names: short protein forms Q2397E.
Identifiers: ClinVar variation 2631734 (VCV002631734.1), dbSNP rs2487788280, ClinGen allele CA370089405.

ClinVar aggregate classification (germline): Uncertain significance (1 of 4 stars; one submission).

Conditions:
KMT2C-related disorder. Also called: KMT2C-related condition; KMT2C-related disorders.

Submission:

PreventionGenetics, part of Exact Sciences
Classification: Uncertain significance for KMT2C-related condition. Last evaluated: 2023-08-09. Review status: criteria provided, single submitter. Criteria: ACMG Guidelines, 2015. Collection method: clinical testing. Allele origin: germline.
Comment: The KMT2C c.7189C>G variant is predicted to result in the amino acid substitution p.Gln2397Glu. To our knowledge, this variant has not been reported in the literature or in a large population database, indicating this variant is rare. At this time, the clinical significance of this variant is uncertain due to the absence of conclusive functional and genetic evidence.